The following is an entry in ClinVar:

ClinVar aggregate classification (germline): Likely pathogenic (1 of 4 stars; one submission).

Conditions:
Renal coloboma syndrome (PAPRS). Also called: PAPILLORENAL SYNDROME; COLOBOMA OF OPTIC NERVE WITH RENAL DISEASE; OPTIC COLOBOMA, VESICOURETERAL REFLUX, AND RENAL ANOMALIES; OPTIC NERVE COLOBOMA WITH RENAL DISEASE; RENAL-COLOBOMA SYNDROME WITH MACULAR ABNORMALITIES; PAPILLORENAL SYNDROME WITH MILD OCULAR ABNORMALITIES. Identifiers: Orphanet 1475, MedGen C1852759, MONDO:0007352, OMIM 120330.

Submission:

Advanced Eye Centre, Postgraduate Institute of Medical Education and Research (PGIMER)
Classification: Likely pathogenic for Renal coloboma syndrome. Last evaluated: 2026-10-07. Review status: criteria provided, single submitter. Criteria: ACMG Guidelines, 2015. Collection method: clinical testing. Allele origin: germline. Inheritance: Autosomal dominant inheritance. Affected: yes. Observed: 1 variant allele, 1 heterozygote.
Comment: It is a Null variant in a gene where loss of function is a known mechanism of disease; so PVS1 was applied. Allele frequency is extremely low in all databases. So PM2 was applied with frequency threshold for gene: 0.05%

NM_000278.5(PAX2):c.670_671del (p.Leu224fs)

Gene: PAX2 (paired box 2; plus strand). Cytogenetic location: 10q24.31.
Variant type: Deletion.
Coding change: c.670_671del on transcript NM_000278.5 (MANE Select); coding-DNA positions 670 to 671, 2 bases deleted (TT; older notation c.670_671delTT).
Protein change: p.Leu224fs; shifts the reading frame from leucine 224.
Molecular consequence: frameshift variant.
Genome position (GRCh38, 1-based): chr10:100,806,483-100,806,484, TT deleted; deleting any 2 consecutive bases within chr10:100,806,482-100,806,484 gives the same sequence; the c. name uses the placement nearest the transcript's 3' end. VCF-style (leftmost placement, unchanged base first): chr10-100806481-GTT-G. GRCh37 (hg19) VCF-style: chr10-102566238-GTT-G.
Other names: c.763_764del, p.Leu255fs (NM_001304569.2); c.739_740del, p.Leu247fs (NM_003987.5, NM_003990.5); c.670_671del, p.Leu224fs (NM_003988.5, NM_003989.5); short protein forms L224fs, L247fs, L255fs.
Identifiers: ClinVar variation 5018492 (VCV005018492.1).